The following is an entry in ClinVar:

ClinVar aggregate classification (germline): Conflicting classifications of pathogenicity. Review status: criteria provided, conflicting classifications (1 of 4 stars). 4 submissions from 4 submitters: Uncertain significance (3); Likely benign (1). Last evaluated 2026-04-21.

Conditions:
Spastic paraplegia. Identifiers: MedGen C0037772, HP:0001258.
SACS-related disorder. Also called: SACS-related condition.
Inborn genetic diseases. Identifiers: MedGen C0950123, MeSH D030342.

Allele frequency attached by ClinVar (database versions not stated): gnomAD exomes 0.00001; ExAC 0.00002; gnomAD 0.00003.
gnomAD v4.1: 18 of 1,614,154 alleles (0.0011%); highest among the groups gnomAD compares: Middle Eastern, 0.016%; no homozygotes.

Submissions (4):

PreventionGenetics, part of Exact Sciences
Classification: Uncertain significance for SACS-related condition. Last evaluated: 2026-04-21. Review status: criteria provided, single submitter. Criteria: ACMG Guidelines, 2015. Collection method: clinical testing. Allele origin: germline.
Comment: The SACS c.1543C>T variant is predicted to result in the amino acid substitution p.Arg515Cys. To our knowledge, this variant has not been reported in the literature. This variant is reported in 0.0062% of alleles in individuals of African descent in gnomAD. At this time, the clinical significance of this variant is uncertain due to the absence of conclusive functional and genetic evidence.

Ambry Genetics
Classification: Uncertain significance for Inborn genetic diseases. Last evaluated: 2025-03-22. Review status: criteria provided, single submitter. Criteria: Ambry Variant Classification Scheme 2023. Collection method: clinical testing. Allele origin: germline.

Labcorp Genetics (formerly Invitae), Labcorp
Classification: Likely benign for Spastic paraplegia. Last evaluated: 2023-12-13. Review status: criteria provided, single submitter. Criteria: Invitae Variant Classification Sherloc (09022015). Collection method: clinical testing. Allele origin: germline.

Athena Diagnostics
Classification: Uncertain significance. Last evaluated: 2021-10-01. Review status: criteria provided, single submitter. Criteria: Athena Diagnostics Criteria. Collection method: clinical testing. Allele origin: unknown.

NM_014363.6(SACS):c.1543C>T (p.Arg515Cys)

Gene: SACS (sacsin molecular chaperone; minus strand). Cytogenetic location: 13q12.12.
Variant type: single nucleotide variant.
Coding change: c.1543C>T on transcript NM_014363.6 (MANE Select); coding-DNA position 1543, C replaced by T.
Protein change: p.Arg515Cys; replaces arginine 515 with cysteine.
Molecular consequence: missense variant.
Genome position (GRCh38, 1-based): chr13:23,355,069, G>A on the plus strand (C>T on the coding strand, the complement: SACS is on the minus strand). VCF-style: chr13-23355069-G-A. GRCh37 (hg19) VCF-style: chr13-23929208-G-A.
Other names: c.1543C>T (NM_014363.5); c.1102C>T, p.Arg368Cys (NM_001278055.2); short protein forms R368C, R515C.
Identifiers: ClinVar variation 1806964 (VCV001806964.8), dbSNP rs752833893, ClinGen allele CA6911901.
Genomic context (GRCh38, chr13:23,355,069, plus strand): 5'-AAAGCTTATAGATAACATCAACTGACAAGGGGAAATCAGAGCTCTTTTCCATCTCCAGAC[G>A]TTTTATTGAATCTAAGATCAGAGTAGCATAAGCTTTGGGGACAACATTCATGACAAGAAA-3'
Protein context (NP_055178.3, residues 505-525): YATLILDSIK[Arg515Cys]LEMEKSSDFP